The following is an entry in ClinVar:

NM_007186.6(CEP250):c.5027G>A (p.Arg1676Gln)

Gene: CEP250 (centrosomal protein 250; plus strand). Cytogenetic location: 20q11.22.
Variant type: single nucleotide variant.
Coding change: c.5027G>A on transcript NM_007186.6 (MANE Select); coding-DNA position 5027, G replaced by A.
Protein change: p.Arg1676Gln; replaces arginine 1676 with glutamine.
Molecular consequence: missense variant.
Genome position (GRCh38, 1-based): chr20:35,503,396, G>A. VCF-style: chr20-35503396-G-A. GRCh37 (hg19) VCF-style: chr20-34091224-G-A.
Other names: c.3131G>A, p.Arg1044Gln (NM_001318219.1); short protein forms R1044Q, R1676Q.
Identifiers: ClinVar variation 1015426 (VCV001015426.7), dbSNP rs199897634, ClinGen allele CA9833805.
Genomic context (GRCh38, chr20:35,503,396, plus strand): 5'-GAGACCAGGAGCTGATGCTGCAGAAGGAGAGGATTCAGGTTCTCGAGGATCAGAGGACCC[G>A]GCAGACCAAGATCCTGGAGGAGGACCTGGAACAGATCAAGCTGTCCTTGAGAGAGCGAGG-3'
Protein context (NP_009117.2, residues 1666-1686): RIQVLEDQRT[Arg1676Gln]QTKILEEDLE

ClinVar aggregate classification (germline): Conflicting classifications of pathogenicity. Review status: criteria provided, conflicting classifications (1 of 4 stars). 3 submissions from 3 submitters: Uncertain significance (2); Likely benign (1). Last evaluated 2024-11-20.

Allele frequency attached by ClinVar (database versions not stated): gnomAD 0.00006; TOPMed 0.00006; ESP Exome Variant Server 0.00008; gnomAD exomes 0.00013 and 0.00019; ExAC 0.00029.
gnomAD v4.1: 203 of 1,614,040 alleles (0.013%); highest among the groups gnomAD compares: Non-Finnish European, 0.015%; no homozygotes.

Submissions (3):

Blueprint Genetics
Classification: Likely benign. Last evaluated: 2024-11-20. Review status: criteria provided, single submitter. Criteria: ACMG Guidelines, 2015. Collection method: clinical testing. Allele origin: germline.

Labcorp Genetics (formerly Invitae), Labcorp
Classification: Uncertain significance. Last evaluated: 2022-08-09. Review status: criteria provided, single submitter. Criteria: Invitae Variant Classification Sherloc (09022015). Collection method: clinical testing. Allele origin: germline.
Comment: This sequence change replaces arginine, which is basic and polar, with glutamine, which is neutral and polar, at codon 1676 of the CEP250 protein (p.Arg1676Gln). This variant is present in population databases (rs199897634, gnomAD 0.04%). This variant has not been reported in the literature in individuals affected with CEP250-related conditions. ClinVar contains an entry for this variant (Variation ID: 1015426). Algorithms developed to predict the effect of missense changes on protein structure and function are either unavailable or do not agree on the potential impact of this missense change (SIFT: "Not Available"; PolyPhen-2: "Possibly Damaging"; Align-GVGD: "Not Available"). In summary, the available evidence is currently insufficient to determine the role of this variant in disease. Therefore, it has been classified as a Variant of Uncertain Significance.

Breakthrough Genomics
Classification: Uncertain significance. Review status: criteria provided, single submitter. Criteria: ACMG Guidelines, 2015. Collection method: not provided. Allele origin: germline. Inheritance: Autosomal dominant inheritance. Affected: yes.